The following is an entry in ClinVar:

ClinVar aggregate classification (germline): Uncertain significance (1 of 4 stars; one submission).

Submission:

CeGaT Center for Human Genetics Tuebingen
Classification: Uncertain significance. Last evaluated: 2025-04-01. Review status: criteria provided, single submitter. Criteria: CeGaT Center For Human Genetics Tuebingen Variant Classification Criteria Version 2. Collection method: clinical testing. Allele origin: germline. Affected: yes. Observed: 1 variant allele.
Comment: RELN: PM2

NM_005045.4(RELN):c.1403C>A (p.Thr468Asn)

Genes: RELN (reelin; minus strand), LOC126860131 (MED14-independent group 3 enhancer GRCh37_chr7:103301048-103302247; plus strand). Cytogenetic location: 7q22.1.
Variant type: single nucleotide variant.
Coding change: c.1403C>A on transcript NM_005045.4 (MANE Select); coding-DNA position 1403, C replaced by A.
Protein change: p.Thr468Asn; replaces threonine 468 with asparagine.
Molecular consequence: missense variant.
Genome position (GRCh38, 1-based): chr7:103,661,414, G>T on the plus strand (C>A on the coding strand, the complement: RELN is on the minus strand). VCF-style: chr7-103661414-G-T. GRCh37 (hg19) VCF-style: chr7-103301861-G-T.
Other names: c.1403C>A, p.Thr468Asn (NM_173054.3); short protein forms T468N.
Identifiers: ClinVar variation 3898467 (VCV003898467.7).